The following is an entry in ClinVar:

ClinVar aggregate classification (germline): Conflicting classifications of pathogenicity. Review status: criteria provided, conflicting classifications (1 of 4 stars). 2 submissions from 2 submitters: Pathogenic (1); Uncertain significance (1). Last evaluated 2021-07-26.

Conditions:
Rhabdoid tumor predisposition syndrome 2 (RTPS2). Identifiers: Orphanet 231108, Orphanet 69077, MedGen C2750074, MONDO:0013224, OMIM 613325.
Intellectual disability, autosomal dominant 16 (CSS4). Also called: COFFIN-SIRIS SYNDROME 4. Identifiers: Orphanet 1465, MedGen C3553249, MONDO:0013821, OMIM 614609.

Allele frequency attached by ClinVar (database versions not stated): gnomAD below 0.00001 and 0.00001.
gnomAD v4.1: 1 of 1,601,922 alleles (0.000062%); highest among the groups gnomAD compares: South Asian, 0.0011%; no homozygotes.

Submissions (2):

Labcorp Genetics (formerly Invitae), Labcorp
Classification: Uncertain significance for Rhabdoid tumor predisposition syndrome 2. Last evaluated: 2021-07-26. Review status: criteria provided, single submitter. Criteria: Invitae Variant Classification Sherloc (09022015). Collection method: clinical testing. Allele origin: germline.
Comment: In summary, the available evidence is currently insufficient to determine the role of this variant in disease. Therefore, it has been classified as a Variant of Uncertain Significance. ClinVar contains an entry for this variant (Variation ID: 842386). This variant has not been reported in the literature in individuals affected with SMARCA4-related conditions. This variant is not present in population databases (ExAC no frequency). Loss-of-function variants in SMARCA4 are known to be pathogenic (PMID: 24658001, 24658002). However, tissue-specific alternative splicing of SMARCA4 gene results in functional isoforms lacking in-frame exon 30 (also known as exon 28B, PMID: 18437052). For this reason the clinical significance of loss of function variants in exon 30 is currently uncertain. It is expected to result in an absent or disrupted protein product. Loss-of-function variants in SMARCA4 are known to be pathogenic (PMID: 24658001, 24658002).

Revvity Omics, Revvity
Classification: Pathogenic for Intellectual disability, autosomal dominant 16. Last evaluated: 2019-11-15. Review status: criteria provided, single submitter. Criteria: ACMG Guidelines, 2015. Collection method: clinical testing. Allele origin: germline.

Literature cited by the submitters: PubMed 24658001 (cited by Labcorp Genetics (formerly Invitae), Labcorp); PubMed 24658002 (cited by Labcorp Genetics (formerly Invitae), Labcorp).

NM_003072.5(SMARCA4):c.4171-1789C>T

Gene: SMARCA4 (SWI/SNF related BAF chromatin remodeling complex subunit ATPase 4; plus strand). Cytogenetic location: 19p13.2.
Variant type: single nucleotide variant.
Coding change: c.4171-1789C>T on transcript NM_003072.5 (MANE Select); 1789 bases into the intron before coding-DNA position 4171, C replaced by T.
Molecular consequence: intron variant. On other transcripts: nonsense (1).
Genome position (GRCh38, 1-based): chr19:11,039,518, C>T. VCF-style: chr19-11039518-C-T. GRCh37 (hg19) VCF-style: chr19-11150194-C-T.
Other names: c.4231C>T, p.Gln1411Ter (NM_001128849.3); c.4171-1789C>T (NM_001128844.3); c.4072-1789C>T (NM_001128847.4, NM_001374457.1, NM_001128848.2); c.4072-1780C>T (NM_001128845.2, NM_001128846.2); short protein forms Q1411*.
Identifiers: ClinVar variation 842386 (VCV000842386.11), dbSNP rs2075455200, ClinGen allele CA404071632.